The following is an entry in ClinVar:

ClinVar aggregate classification (germline): Uncertain significance (1 of 4 stars; one submission).

gnomAD v4.1: 17 of 1,590,206 alleles (0.0011%); highest among the groups gnomAD compares: Non-Finnish European, 0.0013%; no homozygotes.

Submission:

GeneDx
Classification: Uncertain significance. Last evaluated: 2026-04-14. Review status: criteria provided, single submitter. Criteria: GeneDx Variant Classification Process June 2021. Collection method: clinical testing. Allele origin: germline.
Comment: Not observed at significant frequency in large population cohorts (gnomAD); In silico analysis suggests that this missense variant does not alter protein structure/function; Has not been previously published as pathogenic or benign to our knowledge

NM_000048.4(ASL):c.572G>A (p.Arg191Gln)

Gene: ASL (argininosuccinate lyase; plus strand). Cytogenetic location: 7q11.21.
Variant type: single nucleotide variant.
Coding change: c.572G>A on transcript NM_000048.4 (MANE Select); coding-DNA position 572, G replaced by A.
Protein change: p.Arg191Gln; replaces arginine 191 with glutamine.
Molecular consequence: missense variant. On other transcripts: intron variant (1).
Genome position (GRCh38, 1-based): chr7:66,086,791, G>A. VCF-style: chr7-66086791-G-A. GRCh37 (hg19) VCF-style: chr7-65551778-G-A.
Other names: c.572G>A, p.Arg191Gln (NM_001024943.2, NM_001024944.2); c.524+129G>A (NM_001024946.2); short protein forms R191Q.
Identifiers: ClinVar variation 5037137 (VCV005037137.1).